The following is an entry in ClinVar:

NM_018127.7(ELAC2):c.1078A>T (p.Arg360Trp)

Gene: ELAC2 (elaC ribonuclease Z 2; minus strand). Cytogenetic location: 17p12.
Variant type: single nucleotide variant.
Coding change: c.1078A>T on transcript NM_018127.7 (MANE Select); coding-DNA position 1078, A replaced by T.
Protein change: p.Arg360Trp; replaces arginine 360 with tryptophan.
Molecular consequence: missense variant.
Genome position (GRCh38, 1-based): chr17:13,003,480, T>A on the plus strand (A>T on the coding strand, the complement: ELAC2 is on the minus strand). VCF-style: chr17-13003480-T-A. GRCh37 (hg19) VCF-style: chr17-12906797-T-A.
Other names: c.958A>T, p.Arg320Trp (NM_001165962.2); c.1078A>T, p.Arg360Trp (NM_173717.2); c.1078A>T (NM_018127.6); short protein forms R320W, R360W.
Identifiers: ClinVar variation 1386350 (VCV001386350.9), dbSNP rs757575765, ClinGen allele CA8401387.
Genomic context (GRCh38, chr17:13,003,480, plus strand): 5'-GGGGAATCCACCACTGCCCAGAAGAGTTACCCCAAGTGCCGCTGGGCTGGGCTCCATACC[T>A]CTCCATCCACTGCTGGTACCTGCTGTCCACAAGCACAGATGCTGGGGCCATGTGAACCAC-3'
Protein context (NP_060597.4, residues 350-370): VDSRYQQWME[Arg360Trp]FGPDTQHLVL

ClinVar aggregate classification (germline): Conflicting classifications of pathogenicity. Review status: criteria provided, conflicting classifications (1 of 4 stars). 2 submissions from 2 submitters: Likely pathogenic (1); Uncertain significance (1). Last evaluated 2026-04-22.

Conditions:
Combined oxidative phosphorylation defect type 17. Also called: Combined oxidative phosphorylation deficiency 17. Identifiers: Orphanet 369913, MedGen C3809526, MONDO:0014190, OMIM 615440.

Allele frequency attached by ClinVar (database versions not stated): gnomAD 0.00001; gnomAD exomes below 0.00001; TOPMed below 0.00001; ExAC 0.00001.
gnomAD v4.1: 4 of 1,613,850 alleles (0.00025%); highest among the groups gnomAD compares: Non-Finnish European, 0.00025%; no homozygotes.

Submissions (3):

GeneDx
Classification: Likely pathogenic. Last evaluated: 2026-04-22. Review status: criteria provided, single submitter. Criteria: GeneDx Variant Classification Process June 2021. Collection method: clinical testing. Allele origin: germline.
Comment: Not observed at significant frequency in large population cohorts (gnomAD); In silico analysis supports that this missense variant has a deleterious effect on protein structure/function; In silico analysis supports a deleterious effect on splicing; Has not been previously published as pathogenic or benign to our knowledge

Labcorp Genetics (formerly Invitae), Labcorp
Classification: Uncertain significance for Combined oxidative phosphorylation defect type 17. Last evaluated: 2022-04-17. Review status: criteria provided, single submitter. Criteria: Invitae Variant Classification Sherloc (09022015). Collection method: clinical testing. Allele origin: germline.
Comment: This sequence change replaces arginine, which is basic and polar, with tryptophan, which is neutral and slightly polar, at codon 360 of the ELAC2 protein (p.Arg360Trp). This variant is present in population databases (rs757575765, gnomAD 0.002%). This variant has not been reported in the literature in individuals affected with ELAC2-related conditions. Algorithms developed to predict the effect of missense changes on protein structure and function are either unavailable or do not agree on the potential impact of this missense change (SIFT: "Deleterious"; PolyPhen-2: "Probably Damaging"; Align-GVGD: "Class C0"). Algorithms developed to predict the effect of sequence changes on RNA splicing suggest that this variant may disrupt the consensus splice site. In summary, the available evidence is currently insufficient to determine the role of this variant in disease. Therefore, it has been classified as a Variant of Uncertain Significance.

Dr. Peter K. Rogan Lab, Western University
No classification provided (evidence only). Condition: Clear cell carcinoma of kidney. Review status: no classification provided. Collection method: in vitro. Allele origin: not applicable. Functional consequence: retained intron. Not counted in ClinVar's aggregate classification.